The following is an entry in ClinVar:

ClinVar aggregate classification (germline): Uncertain significance (1 of 4 stars; one submission).

Conditions:
Bloom syndrome (BLM). Also called: Bloom-Torre-Machacek syndrome. Identifiers: Orphanet 125, MedGen C0005859, MONDO:0008876, OMIM 210900.

Submission:

Labcorp Genetics (formerly Invitae), Labcorp
Classification: Uncertain significance for Bloom syndrome. Last evaluated: 2016-08-30. Review status: criteria provided, single submitter. Criteria: Invitae Variant Classification Sherloc (09022015). Collection method: clinical testing. Allele origin: germline.
Comment: This sequence change replaces proline with serine at codon 715 of the BLM protein (p.Pro715Ser). The proline residue is highly conserved and there is a moderate physicochemical difference between proline and serine. In summary, this variant is a novel missense change with uncertain impact on protein function. It has been classified as a Variant of Uncertain Significance. Algorithms developed to predict the effect of missense changes on protein structure and function do not agree on the potential impact of this missense change (SIFT: "Deleterious"; PolyPhen-2: "Probably Damaging"; Align-GVGD: "Class C0"). This variant is not present in population databases (ExAC no frequency) and has not been reported in the literature in individuals with a BLM-related disease.

NM_000057.4(BLM):c.2143C>T (p.Pro715Ser)

Gene: BLM (BLM RecQ like helicase; plus strand). Cytogenetic location: 15q26.1.
Variant type: single nucleotide variant.
Coding change: c.2143C>T on transcript NM_000057.4 (MANE Select); coding-DNA position 2143, C replaced by T.
Protein change: p.Pro715Ser; replaces proline 715 with serine.
Molecular consequence: missense variant.
Genome position (GRCh38, 1-based): chr15:90,765,364, C>T. VCF-style: chr15-90765364-C-T. GRCh37 (hg19) VCF-style: chr15-91308594-C-T.
Other names: c.2143C>T, p.Pro715Ser (NM_001287246.2, NM_001287247.2); c.1018C>T, p.Pro340Ser (NM_001287248.2); short protein forms P715S, P340S.
Identifiers: ClinVar variation 405287 (VCV000405287.10), dbSNP rs1060500636, ClinGen allele CA16614955.